The following is an entry in ClinVar:

NM_000179.3(MSH6):c.1473G>T (p.Met491Ile)

Gene: MSH6 (mutS homolog 6; plus strand). Cytogenetic location: 2p16.3.
Variant type: single nucleotide variant.
Coding change: c.1473G>T on transcript NM_000179.3 (MANE Select); coding-DNA position 1473, G replaced by T.
Protein change: p.Met491Ile; replaces methionine 491 with isoleucine.
Molecular consequence: missense variant.
Genome position (GRCh38, 1-based): chr2:47,799,456, G>T. VCF-style: chr2-47799456-G-T. GRCh37 (hg19) VCF-style: chr2-48026595-G-T.
Other names: c.1083G>T, p.Met361Ile (NM_001281492.2); c.567G>T, p.Met189Ile (NM_001281493.2, NM_001281494.2, NM_001406811.1 and 6 more transcripts); c.1569G>T, p.Met523Ile (NM_001406795.1, NM_001406802.1); c.1473G>T, p.Met491Ile (NM_001406796.1, NM_001406798.1, NM_001406800.1 and 4 more transcripts); c.1176G>T, p.Met392Ile (NM_001406797.1, NM_001406801.1, NM_001406805.1 and 10 more transcripts); c.948G>T, p.Met316Ile (NM_001406799.1, NM_001406806.1, NM_001406807.1); c.1395G>T, p.Met465Ile (NM_001406804.1); c.1479G>T, p.Met493Ile (NM_001406813.1); and 1 more; short protein forms M465I, M316I, M493I, M189I, M361I, M435I, M392I, M491I.
Identifiers: ClinVar variation 2087201 (VCV002087201.3), dbSNP rs1572723119, ClinGen allele CA346745943.
Genomic context (GRCh38, chr2:47,799,456, plus strand): 5'-TTCCCTGGTGCAGAAGGGCTATAAAGTAGCACGAGTGGAACAGACTGAGACTCCAGAAAT[G>T]ATGGAGGCACGATGTAGAAAGATGGCACATATATCCAAGTATGATAGAGTGGTGAGGAGG-3'
Protein context (NP_000170.1, residues 481-501): ARVEQTETPE[Met491Ile]MEARCRKMAH

ClinVar aggregate classification (germline): Uncertain significance. Review status: criteria provided, multiple submitters, no conflicts (2 of 4 stars). 2 submissions from 2 submitters: Uncertain significance (2). Last evaluated 2024-09-20.

Conditions:
Hereditary nonpolyposis colorectal neoplasms. Identifiers: MedGen C0009405, MeSH D003123.

Allele frequency attached by ClinVar (database versions not stated): gnomAD exomes below 0.00001.
gnomAD v4.1: 1 of 1,614,160 alleles (0.000062%); highest among the groups gnomAD compares: Non-Finnish European, 0.000085%; no homozygotes.

Submissions (2):

Blueprint Genetics
Classification: Uncertain significance. Last evaluated: 2024-09-20. Review status: criteria provided, single submitter. Criteria: ACMG Guidelines, 2015. Collection method: clinical testing. Allele origin: germline.

Labcorp Genetics (formerly Invitae), Labcorp
Classification: Uncertain significance for Hereditary nonpolyposis colorectal neoplasms. Last evaluated: 2022-01-17. Review status: criteria provided, single submitter. Criteria: Invitae Variant Classification Sherloc (09022015). Collection method: clinical testing. Allele origin: germline.
Comment: In summary, the available evidence is currently insufficient to determine the role of this variant in disease. Therefore, it has been classified as a Variant of Uncertain Significance. Algorithms developed to predict the effect of missense changes on protein structure and function are either unavailable or do not agree on the potential impact of this missense change (SIFT: "Deleterious"; PolyPhen-2: "Probably Damaging"; Align-GVGD: "Class C0"). This variant has not been reported in the literature in individuals affected with MSH6-related conditions. This variant is not present in population databases (gnomAD no frequency). This sequence change replaces methionine, which is neutral and non-polar, with isoleucine, which is neutral and non-polar, at codon 491 of the MSH6 protein (p.Met491Ile).